The following is an entry in ClinVar:

ClinVar aggregate classification (germline): Benign/Likely benign. Review status: criteria provided, multiple submitters, no conflicts (2 of 4 stars). 4 submissions from 3 submitters: Benign (1); Likely benign (3). Last evaluated 2022-11-01.

Conditions:
Hypertrophic cardiomyopathy 11. Also called: ACTC1-Related Familial Hypertrophic Cardiomyopathy. Identifiers: MedGen C2677506, MONDO:0012799, OMIM 612098.
Dilated cardiomyopathy 1R (CMD1R). Identifiers: Orphanet 154, Orphanet 54260, MedGen C3150681, MONDO:0013261, OMIM 613424.

Allele frequency attached by ClinVar (database versions not stated): gnomAD 0.00424 and 0.00452; 1000 Genomes Project 0.00459; 1000 Genomes Project 30x 0.00468; TOPMed 0.00456.

Submissions (4):

CeGaT Center for Human Genetics Tuebingen
Classification: Benign. Last evaluated: 2022-11-01. Review status: criteria provided, single submitter. Criteria: CeGaT Center For Human Genetics Tuebingen Variant Classification Criteria Version 2. Collection method: clinical testing. Allele origin: germline. Affected: yes. Observed: 2 variant alleles.
Comment: ACTC1: BS1, BS2

Illumina Laboratory Services, Illumina
Classification: Likely benign for Dilated cardiomyopathy 1R. Last evaluated: 2018-01-13. Review status: criteria provided, single submitter. Criteria: ICSL Variant Classification Criteria 13 December 2019. Collection method: clinical testing. Allele origin: germline.
Comment: This variant was observed in the ICSL laboratory as part of a predisposition screen in an ostensibly healthy population. It had not been previously curated by ICSL or reported in the Human Gene Mutation Database (HGMD: prior to June 1st, 2018), and was therefore a candidate for classification through an automated scoring system. Utilizing variant allele frequency, disease prevalence and penetrance estimates, and inheritance mode, an automated score was calculated to assess if this variant is too frequent to cause the disease. Based on the score and internal cut-off values, a variant classified as likely benign is not then subjected to further curation. The score for this variant resulted in a classification of likely benign for this disease.

Illumina Laboratory Services, Illumina
Classification: Likely benign for Hypertrophic cardiomyopathy 11. Last evaluated: 2018-01-13. Review status: criteria provided, single submitter. Criteria: ICSL Variant Classification Criteria 13 December 2019. Collection method: clinical testing. Allele origin: germline.
Comment: the same text as in the submission from Illumina Laboratory Services, Illumina above.

Breakthrough Genomics
Classification: Likely benign. Review status: criteria provided, single submitter. Criteria: ACMG Guidelines, 2015. Collection method: not provided. Allele origin: germline. Inheritance: Autosomal dominant inheritance. Affected: yes.

NM_005159.4(ACTC1):c.*757G>A

Genes: ACTC1 (actin alpha cardiac muscle 1; minus strand), GJD2-DT (GJD2 divergent transcript; plus strand). Cytogenetic location: 15q14.
Variant type: single nucleotide variant.
Coding change: c.*757G>A on transcript NM_005159.4; 757 bases downstream of the stop codon, G replaced by A.
Genome position (GRCh38, 1-based): chr15:34,789,655, C>T on the plus strand (G>A on the coding strand, the complement: ACTC1 is on the minus strand). VCF-style: chr15-34789655-C-T. GRCh37 (hg19) VCF-style: chr15-35081856-C-T.
Identifiers: ClinVar variation 315679 (VCV000315679.34), dbSNP rs78727649, ClinGen allele CA10641621.